The following is an entry in ClinVar:

ClinVar aggregate classification (germline): Uncertain significance. Review status: criteria provided, multiple submitters, no conflicts (2 of 4 stars). 2 submissions from 2 submitters: Uncertain significance (2). Last evaluated 2025-11-17.

Conditions:
Autosomal recessive limb-girdle muscular dystrophy type 2J (LGMDR10). Also called: Limb-girdle muscular dystrophy, type 2J; MUSCULAR DYSTROPHY, LIMB-GIRDLE, AUTOSOMAL RECESSIVE 10. Identifiers: Orphanet 140922, MedGen C1837342, MONDO:0012127, OMIM 608807.
Dilated cardiomyopathy 1G (CMD1G). Identifiers: Orphanet 154, MedGen C1858763, MONDO:0011400, OMIM 604145.
Cardiovascular phenotype. Identifiers: MedGen CN230736.

Allele frequency attached by ClinVar (database versions not stated): ExAC 0.00001.
gnomAD v4.1: 7 of 1,614,014 alleles (0.00043%); highest among the groups gnomAD compares: African/African-American, 0.0013%; no homozygotes.

Submissions (2):

Labcorp Genetics (formerly Invitae), Labcorp
Classification: Uncertain significance for Dilated cardiomyopathy 1G; Autosomal recessive limb-girdle muscular dystrophy type 2J. Last evaluated: 2025-11-17. Review status: criteria provided, single submitter. Criteria: Invitae Variant Classification Sherloc (09022015). Collection method: clinical testing. Allele origin: germline.
Comment: This sequence change replaces valine, which is neutral and non-polar, with isoleucine, which is neutral and non-polar, at codon 34996 of the TTN protein (p.Val34996Ile). This variant is present in population databases (rs772718460, gnomAD 0.0009%). This variant has not been reported in the literature in individuals affected with TTN-related conditions. ClinVar contains an entry for this variant (Variation ID: 1760571). Experimental studies and prediction algorithms are not available or were not evaluated, and the functional significance of this variant is currently unknown. This variant is located in the M band of TTN (PMID: 25589632). Non-truncating variants in this region may be relevant for neuromuscular disorders, but have not been definitively shown to cause cardiomyopathy (PMID: 23975875). In summary, the available evidence is currently insufficient to determine the role of this variant in disease. Therefore, it has been classified as a Variant of Uncertain Significance.

Ambry Genetics
Classification: Uncertain significance for Cardiovascular phenotype. Last evaluated: 2020-06-04. Review status: criteria provided, single submitter. Criteria: Ambry Variant Classification Scheme 2023. Collection method: clinical testing. Allele origin: germline.
Comment: The p.V25931I variant (also known as c.77791G>A), located in coding exon 185 of the TTN gene, results from a G to A substitution at nucleotide position 77791. The valine at codon 25931 is replaced by isoleucine, an amino acid with highly similar properties. This amino acid position is highly conserved in available vertebrate species. In addition, this alteration is predicted to be tolerated by in silico analysis. Since supporting evidence is limited at this time, the clinical significance of this alteration remains unclear.

Literature cited by the submitters: PubMed 25589632 (cited by Labcorp Genetics (formerly Invitae), Labcorp); PubMed 23975875 (cited by Labcorp Genetics (formerly Invitae), Labcorp).

NM_001267550.2(TTN):c.104986G>A (p.Val34996Ile)

Genes: TTN (titin; minus strand), TTN-AS1 (TTN antisense RNA 1; plus strand). Cytogenetic location: 2q31.2.
Variant type: single nucleotide variant.
Coding change: c.104986G>A on transcript NM_001267550.2 (MANE Select); coding-DNA position 104986, G replaced by A.
Protein change: p.Val34996Ile; replaces valine 34996 with isoleucine.
Molecular consequence: missense variant.
Genome position (GRCh38, 1-based): chr2:178,531,629, C>T on the plus strand (G>A on the coding strand, the complement: TTN is on the minus strand). VCF-style: chr2-178531629-C-T. GRCh37 (hg19) VCF-style: chr2-179396356-C-T.
Other names: c.100063G>A, p.Val33355Ile (NM_001256850.1); c.77791G>A, p.Val25931Ile (NM_003319.4); c.97282G>A, p.Val32428Ile (NM_133378.4); c.78166G>A, p.Val26056Ile (NM_133432.3); c.78367G>A, p.Val26123Ile (NM_133437.4); short protein forms V26123I, V33355I, V26056I, V25931I, V32428I, V34996I.
Identifiers: ClinVar variation 1760571 (VCV001760571.7), dbSNP rs772718460, ClinGen allele CA1985328.